The following is an entry in ClinVar:

ClinVar aggregate classification (germline): Pathogenic (1 of 4 stars; one submission).

Submission:

GeneDx
Classification: Pathogenic. Last evaluated: 2018-06-25. Review status: criteria provided, single submitter. Criteria: GeneDx Variant Classification (06012015). Collection method: clinical testing. Allele origin: germline. Affected: yes.
Comment: The c.7226_7237del12insTTATG variant in the KMT2A gene has not been reported previously as a pathogenic variant nor as a benign variant, to our knowledge. The c.7226_7237del12insTTATG variant causes a frameshift starting with codon Glycine 2409, changes this amino acid to a Valine residue, and creates a premature Stop codon at position 45 of the new reading frame, denoted p.Gly2409ValfsX45. This variant is predicted to cause loss of normal protein function either through protein truncation or nonsense-mediated mRNA decay. The c.7226_7237del12insTTATG variant is not observed in large population cohorts (Lek et al., 2016). We interpret c.7226_7237del12insTTATG as a pathogenic variant.

NM_001197104.2(KMT2A):c.7226_7237delinsTTATG (p.Gly2409fs)

Gene: KMT2A (lysine methyltransferase 2A; plus strand). Cytogenetic location: 11q23.3.
Variant type: Indel.
Coding change: c.7226_7237delinsTTATG on transcript NM_001197104.2 (MANE Select); coding-DNA positions 7226 to 7237, GAATGAGCAACA replaced by TTATG.
Protein change: p.Gly2409fs; shifts the reading frame from glycine 2409.
Molecular consequence: frameshift variant.
Genome position (GRCh38, 1-based): chr11:118,503,118-118,503,129, GAATGAGCAACA replaced by TTATG. VCF-style: chr11-118503118-GAATGAGCAACA-TTATG. GRCh37 (hg19) VCF-style: chr11-118373833-GAATGAGCAACA-TTATG.
Other names: c.7217_7228delinsTTATG, p.Gly2406fs (NM_005933.4); short protein forms G2406fs, G2409fs.
Identifiers: ClinVar variation 817715 (VCV000817715.1), dbSNP rs1591281522, ClinGen allele CA915947782.
Genomic context (GRCh38, chr11:118,503,118, plus strand): 5'-CCCAATCAGCAAACTCCTCTCCAGATGAAGATACTGAAGTCAAAACCTTGAAGCTATCTG[GAATGAGCAACA>TTATG]GATCATCCATTATCAACGAACATATGGGATCTAGTTCCAGAGATAGGAGACAGAAAGGGA-3'